The following is an entry in ClinVar:

ClinVar aggregate classification (germline): Uncertain significance (1 of 4 stars; one submission).

Conditions:
Spinocerebellar ataxia type 6 (SCA6). Identifiers: Orphanet 98758, MedGen C0752124, MONDO:0008457, OMIM 183086.

gnomAD v4.1: 1 of 1,600,964 alleles (0.000062%); highest among the groups gnomAD compares: Non-Finnish European, 0.000085%; no homozygotes.

Submission:

Kariminejad - Najmabadi Pathology & Genetics Center
Classification: Uncertain significance for Spinocerebellar ataxia type 6. Last evaluated: 2023-12-10. Review status: criteria provided, single submitter. Criteria: ACMG Guidelines, 2015. Collection method: clinical testing. Allele origin: germline. Inheritance: Autosomal dominant inheritance. Affected: yes.
Comment: PM2

NM_001127222.2(CACNA1A):c.2318T>C (p.Val773Ala)

Gene: CACNA1A (calcium voltage-gated channel subunit alpha1 A; minus strand). Cytogenetic location: 19p13.13.
Variant type: single nucleotide variant.
Coding change: c.2318T>C on transcript NM_001127222.2 (MANE Select); coding-DNA position 2318, T replaced by C.
Protein change: p.Val773Ala; replaces valine 773 with alanine.
Molecular consequence: missense variant.
Genome position (GRCh38, 1-based): chr19:13,299,315, A>G on the plus strand (T>C on the coding strand, the complement: CACNA1A is on the minus strand). VCF-style: chr19-13299315-A-G. GRCh37 (hg19) VCF-style: chr19-13410129-A-G.
Other names: c.2330T>C, p.Val777Ala (NM_000068.4, NM_023035.3); c.2321T>C, p.Val774Ala (NM_001127221.2, NM_001174080.2); short protein forms V773A, V774A, V777A.
Identifiers: ClinVar variation 3896788 (VCV003896788.1).
Genomic context (GRCh38, chr19:13,299,315, plus strand): 5'-AGGGCCTCCCGGCTGGCCAGCAAGTTCTGCTTTCGCATCTCACTGGTCCGCTGCTCCCAC[A>G]CGGACTTGGCTGGCTTTTGATTCTTCTGTTGCTCTTTCCTGCAGTGGCATGGTCACAGGA-3'
Protein context (NP_001120694.1, residues 763-783): QQKNQKPAKS[Val773Ala]WEQRTSEMRK